The following is an entry in ClinVar:

NC_000007.14:g.(?_117664678)_(117665574_?)del

Gene: CFTR (CF transmembrane conductance regulator; plus strand). Cytogenetic location: 7q31.2.
Variant type: Deletion.
Identifiers: ClinVar variation 646965 (VCV000646965.1).

ClinVar aggregate classification (germline): Pathogenic (1 of 4 stars; one submission).

Conditions:
Cystic fibrosis (CF). Also called: MUCOVISCIDOSIS. Identifiers: Orphanet 586, MedGen C0010674, MONDO:0009061, OMIM 219700. Disease mechanism: loss of function.

Submission:

Labcorp Genetics (formerly Invitae), Labcorp
Classification: Pathogenic for Cystic fibrosis. Last evaluated: 2018-10-21. Review status: criteria provided, single submitter. Criteria: Invitae Variant Classification Sherloc (09022015). Collection method: clinical testing. Allele origin: germline.
Comment: This variant is an in-frame deletion of the genomic region encompassing exons 25-26 of the CFTR gene. It preserves the integrity of the reading frame. This variant has been reported in several individuals affected with cystic fibrosis (PMID: 15024729, 16362824, 18683213) and has been observed on the opposite chromosome (in trans) from a pathogenic variant in an individual affected with cystic fibrosis (PMID:Â¬â€ 26574590). This finding is consistent with autosomal recessive inheritance, and suggests that this variant contributes to disease.Â¬â€ This variant is also known as deletion of exons 22-23 in the literature. ClinVar contains an entry for this variant (Variation ID: 66104). This variantÂ¬â€ disrupts the nucleotide binding domain (NBD2) of the CFTR protein, which is essential for ATP hydrolysis and proper CFTR function (PMID: 15284228). For these reasons, this variant has been classified as Pathogenic.

Literature cited by the submitters: PubMed 15284228; PubMed 18683213; PubMed 15024729; PubMed 16362824.